The following is an entry in ClinVar:

NM_001080449.3(DNA2):c.2972G>T (p.Gly991Val)

Gene: DNA2 (DNA replication helicase/nuclease 2; minus strand). Cytogenetic location: 10q21.3.
Variant type: single nucleotide variant.
Coding change: c.2972G>T on transcript NM_001080449.3 (MANE Select); coding-DNA position 2972, G replaced by T.
Protein change: p.Gly991Val; replaces glycine 991 with valine.
Molecular consequence: missense variant. On other transcripts: non-coding transcript variant (1).
Genome position (GRCh38, 1-based): chr10:68,416,851, C>A on the plus strand (G>T on the coding strand, the complement: DNA2 is on the minus strand). VCF-style: chr10-68416851-C-A. GRCh37 (hg19) VCF-style: chr10-70176608-C-A.
Other names: short protein forms G991V.
Identifiers: ClinVar variation 2418605 (VCV002418605.6), dbSNP rs1005102849, ClinGen allele CA208190165.

ClinVar aggregate classification (germline): Uncertain significance (1 of 4 stars; one submission).

Allele frequency attached by ClinVar (database versions not stated): TOPMed below 0.00001; gnomAD exomes 0.00001.
gnomAD v4.1: 8 of 1,603,288 alleles (0.0005%); highest among the groups gnomAD compares: Non-Finnish European, 0.00068%; no homozygotes.

Submission:

Labcorp Genetics (formerly Invitae), Labcorp
Classification: Uncertain significance. Last evaluated: 2022-06-17. Review status: criteria provided, single submitter. Criteria: Invitae Variant Classification Sherloc (09022015). Collection method: clinical testing. Allele origin: germline.
Comment: This variant has not been reported in the literature in individuals affected with DNA2-related conditions. Algorithms developed to predict the effect of missense changes on protein structure and function are either unavailable or do not agree on the potential impact of this missense change (SIFT: "Deleterious"; PolyPhen-2: "Probably Damaging"; Align-GVGD: "Class C0"). In summary, the available evidence is currently insufficient to determine the role of this variant in disease. Therefore, it has been classified as a Variant of Uncertain Significance. This sequence change replaces glycine, which is neutral and non-polar, with valine, which is neutral and non-polar, at codon 991 of the DNA2 protein (p.Gly991Val). This variant is not present in population databases (gnomAD no frequency).